The following is an entry in ClinVar:

NM_015047.3(EMC1):c.1060G>A (p.Gly354Arg)

Genes: EMC1 (ER membrane protein complex subunit 1; minus strand), EMC1-AS1 (EMC1 antisense RNA 1; plus strand). Cytogenetic location: 1p36.13.
Variant type: single nucleotide variant.
Coding change: c.1060G>A on transcript NM_015047.3 (MANE Select); coding-DNA position 1060, G replaced by A.
Protein change: p.Gly354Arg; replaces glycine 354 with arginine.
Molecular consequence: missense variant.
Genome position (GRCh38, 1-based): chr1:19,238,824, C>T on the plus strand (G>A on the coding strand, the complement: EMC1 is on the minus strand). VCF-style: chr1-19238824-C-T. GRCh37 (hg19) VCF-style: chr1-19565318-C-T.
Other names: c.1057G>A, p.Gly353Arg (NM_001271427.2, NM_001375821.1); c.1060G>A, p.Gly354Arg (NM_001271428.2, NM_001375820.1); c.994G>A, p.Gly332Arg (NM_001271429.2); short protein forms G332R, G353R, G354R.
Identifiers: ClinVar variation 3372006 (VCV003372006.1).

ClinVar aggregate classification (germline): Uncertain significance (1 of 4 stars; one submission).

Submission:

GeneDx
Classification: Uncertain significance. Last evaluated: 2024-04-08. Review status: criteria provided, single submitter. Criteria: GeneDx Variant Classification Process June 2021. Collection method: clinical testing. Allele origin: germline. Affected: yes.
Comment: Not observed at significant frequency in large population cohorts (gnomAD); In silico analysis indicates that this missense variant does not alter protein structure/function; Has not been previously published as pathogenic or benign to our knowledge